The following is an entry in ClinVar:

NM_002049.4(GATA1):c.256G>A (p.Gly86Arg)

Gene: GATA1 (GATA binding protein 1; plus strand). Cytogenetic location: Xp11.23.
Variant type: single nucleotide variant.
Coding change: c.256G>A on transcript NM_002049.4 (MANE Select); coding-DNA position 256, G replaced by A.
Protein change: p.Gly86Arg; replaces glycine 86 with arginine.
Molecular consequence: missense variant.
Genome position (GRCh38, 1-based): chrX:48,791,879, G>A. VCF-style: chrX-48791879-G-A. GRCh37 (hg19) VCF-style: chrX-48650286-G-A.
Other names: short protein forms G86R.
Identifiers: ClinVar variation 1930822 (VCV001930822.5), dbSNP rs1465964092, ClinGen allele CA412867653.

ClinVar aggregate classification (germline): Uncertain significance (1 of 4 stars; one submission).

Conditions:
Diamond-Blackfan anemia. Also called: Blackfan Diamond syndrome; Aregenerative anemia chronic congenital; Red cell aplasia, pure hereditary; Congenital hypoplastic anemia; Aase syndrome. Identifiers: Orphanet 124, MedGen C1260899, MeSH D029503, MONDO:0015253, HP:0004810.
GATA binding protein 1 related thrombocytopenia with dyserythropoiesis. Also called: GATA1-Related X-Linked Cytopenia; GATA1-Related Cytopenia. Identifiers: MedGen C1845837, MONDO:0100089.

Allele frequency attached by ClinVar (database versions not stated): TOPMed below 0.00001.

Submission:

Labcorp Genetics (formerly Invitae), Labcorp
Classification: Uncertain significance for GATA binding protein 1 related thrombocytopenia with dyserythropoiesis; Diamond-Blackfan anemia. Last evaluated: 2023-06-09. Review status: criteria provided, single submitter. Criteria: Invitae Variant Classification Sherloc (09022015). Collection method: clinical testing. Allele origin: germline.
Comment: In summary, the available evidence is currently insufficient to determine the role of this variant in disease. Therefore, it has been classified as a Variant of Uncertain Significance. Advanced modeling of protein sequence and biophysical properties (such as structural, functional, and spatial information, amino acid conservation, physicochemical variation, residue mobility, and thermodynamic stability) performed at Invitae indicates that this missense variant is not expected to disrupt GATA1 protein function. ClinVar contains an entry for this variant (Variation ID: 1930822). This variant has not been reported in the literature in individuals affected with GATA1-related conditions. This variant is not present in population databases (gnomAD no frequency). This sequence change replaces glycine, which is neutral and non-polar, with arginine, which is basic and polar, at codon 86 of the GATA1 protein (p.Gly86Arg).